The following is an entry in ClinVar:

NM_014847.4(UBAP2L):c.31C>T (p.Arg11Trp)

Gene: UBAP2L (ubiquitin associated protein 2 like; plus strand). Cytogenetic location: 1q21.3.
Variant type: single nucleotide variant.
Coding change: c.31C>T on transcript NM_014847.4 (MANE Select); coding-DNA position 31, C replaced by T.
Protein change: p.Arg11Trp; replaces arginine 11 with tryptophan.
Molecular consequence: missense variant.
Genome position (GRCh38, 1-based): chr1:154,225,154, C>T. VCF-style: chr1-154225154-C-T. GRCh37 (hg19) VCF-style: chr1-154197630-C-T.
Other names: c.31C>T, p.Arg11Trp (NM_001127320.3, NM_001287815.1, NM_001287816.1 and 20 more transcripts); short protein forms R11W.
Identifiers: ClinVar variation 2571688 (VCV002571688.1), dbSNP rs1296420437, ClinGen allele CA342594648.

ClinVar aggregate classification (germline): Uncertain significance (1 of 4 stars; one submission).

gnomAD v4.1: 4 of 1,613,966 alleles (0.00025%); highest among the groups gnomAD compares: African/African-American, 0.0013%; no homozygotes.

Submission:

GeneDx
Classification: Uncertain significance. Last evaluated: 2023-01-06. Review status: criteria provided, single submitter. Criteria: GeneDx Variant Classification Process June 2021. Collection method: clinical testing. Allele origin: germline. Affected: yes.
Comment: Not observed at significant frequency in large population cohorts (gnomAD); In silico analysis supports that this missense variant has a deleterious effect on protein structure/function; Has not been previously published as pathogenic or benign to our knowledge